The following is an entry in ClinVar:

ClinVar aggregate classification (germline): Pathogenic. Review status: criteria provided, multiple submitters, no conflicts (2 of 4 stars). 13 submissions from 13 submitters: Pathogenic (11). 2 of the submissions do not count toward it. Last evaluated 2025-11-13.

Conditions:
GLRA1-related disorder. Also called: GLRA1-related condition.
Hereditary hyperekplexia. Identifiers: Orphanet 3197, MedGen C4084968, MONDO:0021022.
Inborn genetic diseases. Identifiers: MedGen C0950123, MeSH D030342.
Hyperekplexia 1 (STHE). Also called: HYPEREKPLEXIA 1, AUTOSOMAL DOMINANT; HYPEREKPLEXIA 1, AUTOSOMAL RECESSIVE; KOK DISEASE; EXAGGERATED STARTLE REACTION; STARTLE DISEASE, FAMILIAL; STIFF-BABY SYNDROME. Identifiers: Orphanet 3197, MedGen C4551954, MONDO:0007868, OMIM 149400.

Allele frequency attached by ClinVar (database versions not stated): gnomAD exomes below 0.00001.

Submissions 1 to 9 of 13:

Labcorp Genetics (formerly Invitae), Labcorp
Classification: Pathogenic for Hereditary hyperekplexia. Last evaluated: 2025-11-13. Review status: criteria provided, single submitter. Criteria: Invitae Variant Classification Sherloc (09022015). Collection method: clinical testing. Allele origin: germline.
Comment: This sequence change replaces arginine, which is basic and polar, with glutamine, which is neutral and polar, at codon 299 of the GLRA1 protein (p.Arg299Gln). This variant is not present in population databases (gnomAD no frequency). This missense change has been observed in individual(s) with autosomal dominant hyperekplexia, also known as startle syndrome (PMID: 8298642, 8733061, 28122427, 28138086). It has also been observed to segregate with disease in related individuals. ClinVar contains an entry for this variant (Variation ID: 16061). Invitae Evidence Modeling of protein sequence and biophysical properties (such as structural, functional, and spatial information, amino acid conservation, physicochemical variation, residue mobility, and thermodynamic stability) indicates that this missense variant is not expected to disrupt GLRA1 protein function with a negative predictive value of 80%. Experimental studies have shown that this missense change affects GLRA1 function (PMID: 7518444). This variant disrupts the p.Arg299 amino acid residue in GLRA1. Other variant(s) that disrupt this residue have been determined to be pathogenic (PMID: 7881416, 8298642). This suggests that this residue is clinically significant, and that variants that disrupt this residue are likely to be disease-causing. For these reasons, this variant has been classified as Pathogenic.

Clinical Genetics Laboratory, Skane University Hospital Lund
Classification: Pathogenic for Hyperekplexia 1. Last evaluated: 2025-09-02. Review status: criteria provided, single submitter. Criteria: ACMG Guidelines, 2015. Collection method: clinical testing. Allele origin: germline. Affected: yes.
Comment: PS3_Supporting, PS4, PM2, PM6, PP1_Moderate, PP3

Victorian Clinical Genetics Services, Murdoch Childrens Research Institute
Classification: Pathogenic for Hyperekplexia 1. Last evaluated: 2025-07-17. Review status: criteria provided, single submitter. Criteria: ACMG Guidelines, 2015. Collection method: clinical testing. Allele origin: germline. Affected: yes.
Comment: This variant is classified as Pathogenic. Evidence in support of pathogenic classification: Variant is present in gnomAD <0.01 (v4: 1 heterozygote(s), 0 homozygote(s)); This variant has strong previous evidence of pathogenicity in unrelated individuals. Also known as p.(Arg271Gln) in the literature, at least ten patients with dominant hyperekplexia 1 (MIM#149400) have been reported to harbour this variant (ClinVar, PMID: 11389164, 14673895, 25356525, 28122427); This variant has strong evidence for segregation with disease. It has been shown to segregate in a large 3-generation family with nine affecteds (PMID: 11389164); Variant is located in a hotspot region or cluster of pathogenic variants within the pore-forming M2 transmembrane domain (DECIPHER; PMID: 25356525); Missense variant predicted to be damaging by in silico tool(s) or highly conserved with a minor amino acid change. Additional information: Variant is predicted to result in a missense amino acid change from arginine to glutamine; This variant is heterozygous; This gene is associated with both recessive and dominant disease. Autosomal recessive (AR) variants are located throughout the gene while autosomal dominant (AD) variants are mostly located within the TM2-Loop2 domains (PMID: 32319239); Loss of function is a known mechanism of disease in this gene and is associated with hyperekplexia 1 (MIM#149400). Dominant negative has also been suggested for a single variant (PMID: 17536053); Variants in this gene are known to have variable expressivity. In a single AR family with two affected brothers, one was more severely affected than the other (PMID: 30866851).

PreventionGenetics, part of Exact Sciences
Classification: Pathogenic for GLRA1-related condition. Last evaluated: 2024-11-15. Review status: criteria provided, single submitter. Criteria: ACMG Guidelines, 2015. Collection method: clinical testing. Allele origin: germline.
Comment: The GLRA1 c.896G>A variant is predicted to result in the amino acid substitution p.Arg299Gln. This variant, which is also referred to as p.Arg271Gln, has been reported to be causative for autosomal dominant hyperekplexia in multiple individuals (Shiang et al. 1993. PubMed ID: 8298642; Lee et al. 2017. PubMed ID: 28122427; Russo et al. 2017. PubMed ID: 28138086; Paucar et al. 2018. PubMed ID: 30109271). Functional studies indicate that this variant disrupts normal ion channel function (Rajendra et al. 1995. PubMed ID: 7826634). Furthermore, alternate nucleotide changes affecting the same amino acid (p.Arg299Pro, p.Arg299Leu) have also been reported to be causative for autosomal dominant hyperekplexia (Shiang et al. 1993. PubMed ID: 8298642; Gregory et al. 2008. PubMed ID: 19073849). This variant has not been reported in a large population database (gnomAD), indicating this variant is rare. This variant is interpreted as pathogenic.

Ambry Genetics
Classification: Pathogenic for Inborn genetic diseases. Last evaluated: 2024-09-03. Review status: criteria provided, single submitter. Criteria: Ambry Variant Classification Scheme 2023. Collection method: clinical testing. Allele origin: germline.
Comment: The c.896G>A (p.R299Q) alteration is located in exon 7 (coding exon 7) of the GLRA1 gene. This alteration results from a G to A substitution at nucleotide position 896, causing the arginine (R) at amino acid position 299 to be replaced by a glutamine (Q). for autosomal dominant GLRA1-related hyperekplexia; however, its clinical significance for autosomal recessive GLRA1-related hyperekplexia is uncertain. This variant was not reported in population-based cohorts in the Genome Aggregation Database (gnomAD). This variant, also referred to as p.R271Q, was reported in multiple individuals with features consistent with autosomal dominant GLRA1-related hyperekplexia and segregated with disease in at least one family; in one instance, this variant was determined to be the result of a de novo mutation (Shiang, 1993; Schorderet, 1994; Elmslie, 1996; Kwok, 2001; Tijssen, 2003; Lee, 2017; Mariani, 2017; Pavey, 2017; Russo, 2017; Paucar, 2018). Another alteration at the same codon, c.896G>T (p.R299L), has been detected in at least one individual with features consistent with autosomal dominant GLRA1-related hyperekplexia (Shiang, 1993). This amino acid position is highly conserved in available vertebrate species. This alteration is predicted to be deleterious by in silico analysis. Based on the available evidence, this alteration is classified as pathogenic.

Institute of Human Genetics, University of Leipzig Medical Center
Classification: Pathogenic for Hyperekplexia 1. Last evaluated: 2023-08-24. Review status: criteria provided, single submitter. Criteria: ACMG Guidelines, 2015. Collection method: clinical testing. Allele origin: de novo. Inheritance: Autosomal dominant inheritance. Affected: yes.
Comment: Criteria applied: PS2,PS3,PS4,PM5_STR,PM1,PM2_SUP,PP3,PP4

GeneDx
Classification: Pathogenic. Last evaluated: 2022-01-24. Review status: criteria provided, single submitter. Criteria: GeneDx Variant Classification Process June 2021. Collection method: clinical testing. Allele origin: germline. Affected: yes.
Comment: Published functional studies demonstrate this variant impairs chloride channel activation and conductance (Langosch et al., 1994; Moraga-Cid et al., 2015); Not observed at significant frequency in large population cohorts (gnomAD); This variant is associated with the following publications: (PMID: 9009272, 7881416, 1355335, 1897565, 6830476, 7826634, 7925268, 30109271, 25730860, 8298642, 28122427)

Genetics and Molecular Pathology, SA Pathology
Classification: Pathogenic for Hyperekplexia 1. Last evaluated: 2020-10-01. Review status: criteria provided, single submitter. Criteria: ACMG Guidelines, 2015. Collection method: clinical testing. Allele origin: germline. Inheritance: Autosomal dominant inheritance. Affected: yes.

New York Genome Center
Classification: Pathogenic for Hyperekplexia 1. Last evaluated: 2020-01-07. Review status: criteria provided, single submitter. Criteria: NYGC Assertion Criteria 2020. Collection method: clinical testing. Allele origin: inherited. Affected: yes. Observed: 1 heterozygote. Study: CSER-NYCKidSeq.
Comment: The p.Arg299Gln variant (also known as p.Arg271Gln) identified in this individual has been reported in multiple patients affected with autosomal dominant hyperekplexia/startle syndrome, and co-segregates with autosomal dominant hyperekplexia in several families [PMID: 8298642; PMID: 8733061; PMID: 28138086]. The variant is absent from the gnomAD database indicating it is an extremely rare allele in the general population. The variant affects a highly conserved residue and is predicted deleterious by in silico tools. Functional studies have found that the mutant allele results in reduced glycinergic inhibitory neurotransmission by the glycine receptor-channel complex [PMID: 7518444]. Moreover, a different missense variant affecting the same Arg299 of GLRA1 has also been reported in several affected individuals [PMID: 8298642; PMID: 7881416].Based on the available evidence, the p.Arg299Gln variant in the GLRA1 gene is assessed as pathogenic.

NM_000171.4(GLRA1):c.896G>A (p.Arg299Gln)

Gene: GLRA1 (glycine receptor alpha 1; minus strand). Cytogenetic location: 5q33.1.
Variant type: single nucleotide variant.
Coding change: c.896G>A on transcript NM_000171.4 (MANE Select); coding-DNA position 896, G replaced by A.
Protein change: p.Arg299Gln; replaces arginine 299 with glutamine.
Molecular consequence: missense variant.
Genome position (GRCh38, 1-based): chr5:151,851,406, C>T on the plus strand (G>A on the coding strand, the complement: GLRA1 is on the minus strand). VCF-style: chr5-151851406-C-T. GRCh37 (hg19) VCF-style: chr5-151230967-C-T.
Other names: R271Q; G1192A; c.896G>A, p.Arg299Gln (NM_001146040.2); c.647G>A, p.Arg216Gln (NM_001292000.2); short protein forms R299Q, R216Q.
Identifiers: ClinVar variation 16061 (VCV000016061.28), dbSNP rs121918408, ClinGen allele CA341359.